The following is an entry in ClinVar:

ClinVar aggregate classification (germline): Uncertain significance. Review status: criteria provided, multiple submitters, no conflicts (2 of 4 stars). 2 submissions from 2 submitters: Uncertain significance (2). Last evaluated 2021-07-12.

Conditions:
Inborn genetic diseases. Identifiers: MedGen C0950123, MeSH D030342.

Allele frequency attached by ClinVar (database versions not stated): gnomAD exomes 0.00002; gnomAD 0.00003 and 0.00004; TOPMed 0.00004; ExAC 0.00005; ESP Exome Variant Server 0.00015.
gnomAD v4.1: 11 of 1,599,378 alleles (0.00069%); highest among the groups gnomAD compares: African/African-American, 0.015%; no homozygotes.

Submissions (2):

Ambry Genetics
Classification: Uncertain significance for Inborn genetic diseases. Last evaluated: 2021-07-12. Review status: criteria provided, single submitter. Criteria: Ambry Variant Classification Scheme 2023. Collection method: clinical testing. Allele origin: germline.
Comment: The p.A148S variant (also known as c.442G>T), located in coding exon 3 of the MIB1 gene, results from a G to T substitution at nucleotide position 442. The alanine at codon 148 is replaced by serine, an amino acid with similar properties. This amino acid position is conserved. In addition, this alteration is predicted to be tolerated by in silico analysis. Since supporting evidence is limited at this time, the clinical significance of this alteration remains unclear.

GeneDx
Classification: Uncertain significance. Last evaluated: 2016-12-08. Review status: criteria provided, single submitter. Criteria: GeneDx Variant Classification (06012015). Collection method: clinical testing. Allele origin: germline. Affected: yes.
Comment: A variant of uncertain significance has been identified in the MIB1 gene. The A148S variant has not been published as a pathogenic variant, nor has it been reported as a benign variant to our knowledge. The A148S variant was not observed with any significant frequency in approximately 6,500 individuals of European and African American ancestry in the NHLBI Exome Sequencing Project, indicating it is not a common benign variant in these populations. The A148S variant is a non-conservative amino acid substitution, which is likely to impact secondary protein structure as these residues differ in polarity, charge, size and/or other properties. This substitution occurs at a position that is conserved across species, however, Serine is the wild-type residue at this position in at least one species. Nevertheless, in silico analysis predicts this variant is probably damaging to the protein structure/function.Therefore, based on the currently available information, it is unclear whether this variant is pathogenic or rare benign.

NM_020774.4(MIB1):c.442G>T (p.Ala148Ser)

Gene: MIB1 (MIB E3 ubiquitin protein ligase 1; plus strand). Cytogenetic location: 18q11.2.
Variant type: single nucleotide variant.
Coding change: c.442G>T on transcript NM_020774.4 (MANE Select); coding-DNA position 442, G replaced by T.
Protein change: p.Ala148Ser; replaces alanine 148 with serine.
Molecular consequence: missense variant.
Genome position (GRCh38, 1-based): chr18:21,768,663, G>T. VCF-style: chr18-21768663-G-T. GRCh37 (hg19) VCF-style: chr18-19348624-G-T.
Other names: short protein forms A148S.
Identifiers: ClinVar variation 373758 (VCV000373758.3), dbSNP rs369261422, ClinGen allele CA8908008.